The following is an entry in ClinVar:

NM_006063.3(KLHL41):c.784A>G (p.Lys262Glu)

Gene: KLHL41 (kelch like family member 41; plus strand). Cytogenetic location: 2q31.1.
Variant type: single nucleotide variant.
Coding change: c.784A>G on transcript NM_006063.3 (MANE Select); coding-DNA position 784, A replaced by G.
Protein change: p.Lys262Glu; replaces lysine 262 with glutamic acid.
Molecular consequence: missense variant.
Genome position (GRCh38, 1-based): chr2:169,510,562, A>G. VCF-style: chr2-169510562-A-G. GRCh37 (hg19) VCF-style: chr2-170367072-A-G.
Other names: short protein forms K262E.
Identifiers: ClinVar variation 953333 (VCV000953333.7), dbSNP rs759037384, ClinGen allele CA349176329.

ClinVar aggregate classification (germline): Uncertain significance (1 of 4 stars; one submission).

Conditions:
Nemaline myopathy 9 (NEM9). Identifiers: MedGen C3810384, MONDO:0014326, OMIM 615731.

Allele frequency attached by ClinVar (database versions not stated): TOPMed below 0.00001.
gnomAD v4.1: 1 of 1,614,152 alleles (0.000062%); highest among the groups gnomAD compares: Non-Finnish European, 0.000085%; no homozygotes.

Submission:

Labcorp Genetics (formerly Invitae), Labcorp
Classification: Uncertain significance for Nemaline myopathy 9. Last evaluated: 2022-02-03. Review status: criteria provided, single submitter. Criteria: Invitae Variant Classification Sherloc (09022015). Collection method: clinical testing. Allele origin: germline.
Comment: This sequence change replaces lysine, which is basic and polar, with glutamic acid, which is acidic and polar, at codon 262 of the KLHL41 protein (p.Lys262Glu). This variant is present in population databases (no rsID available, gnomAD 0.002%). This variant has not been reported in the literature in individuals affected with KLHL41-related conditions. ClinVar contains an entry for this variant (Variation ID: 953333). Algorithms developed to predict the effect of missense changes on protein structure and function (SIFT, PolyPhen-2, Align-GVGD) all suggest that this variant is likely to be disruptive. In summary, the available evidence is currently insufficient to determine the role of this variant in disease. Therefore, it has been classified as a Variant of Uncertain Significance.